The following is an entry in ClinVar:

ClinVar aggregate classification (germline): Pathogenic/Likely pathogenic. Review status: criteria provided, multiple submitters, no conflicts (2 of 4 stars). 5 submissions from 5 submitters: Pathogenic (3); Likely pathogenic (2). Last evaluated 2025-07-07.

Conditions:
BARD1-related disorder. Also called: BARD1-related condition.
Hereditary cancer-predisposing syndrome. Also called: Neoplastic Syndromes, Hereditary; Tumor predisposition; Hereditary Cancer Syndrome; Hereditary neoplastic syndrome. Identifiers: Orphanet 140162, MedGen C0027672, MeSH D009386, MONDO:0015356.
Familial cancer of breast. Also called: hereditary breast carcinoma; BREAST CANCER, FAMILIAL; Hereditary breast cancer. Identifiers: Orphanet 227535, MedGen C0346153, MONDO:0016419, OMIM 114480. Disease mechanism: loss of function.

Submissions (5):

Labcorp Genetics (formerly Invitae), Labcorp
Classification: Pathogenic for Familial cancer of breast. Last evaluated: 2025-07-07. Review status: criteria provided, single submitter. Criteria: Invitae Variant Classification Sherloc (09022015). Collection method: clinical testing. Allele origin: germline.
Comment: This sequence change creates a premature translational stop signal (p.Pro442Leufs*33) in the BARD1 gene. It is expected to result in an absent or disrupted protein product. Loss-of-function variants in BARD1 are known to be pathogenic (PMID: 20077502, 21344236). This variant is not present in population databases (gnomAD no frequency). This variant has not been reported in the literature in individuals affected with BARD1-related conditions. ClinVar contains an entry for this variant (Variation ID: 406748). For these reasons, this variant has been classified as Pathogenic.

Myriad Genetics, Inc.
Classification: Pathogenic for Familial cancer of breast. Last evaluated: 2023-05-22. Review status: criteria provided, single submitter. Criteria: Myriad Autosomal Dominant, Autosomal Recessive and X-Linked Classification Criteria (2023). Collection method: clinical testing. Allele origin: unknown.
Comment: This variant is considered pathogenic. This variant creates a frameshift predicted to result in premature protein truncation.

Ambry Genetics
Classification: Pathogenic for Hereditary cancer-predisposing syndrome. Last evaluated: 2022-10-27. Review status: criteria provided, single submitter. Criteria: Ambry Variant Classification Scheme 2023. Collection method: clinical testing. Allele origin: germline.
Comment: The c.1325delC variant, located in coding exon 5 of the BARD1 gene, results from a deletion of one nucleotide at nucleotide position 1325, causing a translational frameshift with a predicted alternate stop codon (p.P442Lfs*33). This variant is considered to be rare based on population cohorts in the Genome Aggregation Database (gnomAD). This alteration is expected to result in loss of function by premature protein truncation or nonsense-mediated mRNA decay. As such, this alteration is interpreted as a disease-causing mutation.

Blueprint Genetics
Classification: Likely pathogenic for BARD1-related disorders. Last evaluated: 2022-07-17. Review status: criteria provided, single submitter. Criteria: ACMG Guidelines, 2015. Collection method: clinical testing. Allele origin: germline. Affected: yes. Observed: 1 variant allele.

GeneDx
Classification: Likely pathogenic. Last evaluated: 2016-08-08. Review status: criteria provided, single submitter. Criteria: GeneDx Variant Classification (06012015). Collection method: clinical testing. Allele origin: germline. Affected: yes.
Comment: This deletion of one nucleotide in BARD1 is denoted c.1325delC at the cDNA level and p.Pro442LeufsX33 (P442LfsX33) at the protein level. The normal sequence, with the base that is deleted in braces, is ATAC[C]TTCT. The deletion causes a frameshift which changes a Proline to a Leucine at codon 442, and creates a premature stop codon at position 33 of the new reading frame. Although this variant has not, to our knowledge, been reported in the literature, it is predicted to cause loss of normal protein function through either protein truncation or nonsense-mediated mRNA decay. Based on the currently available information, we consider this deletion to be a likely pathogenic variant.

Literature cited by the submitters: PubMed 20077502 (cited by Labcorp Genetics (formerly Invitae), Labcorp); PubMed 21344236 (cited by Labcorp Genetics (formerly Invitae), Labcorp).

NM_000465.4(BARD1):c.1325del (p.Pro442fs)

Gene: BARD1 (BRCA1 associated RING domain 1; minus strand). Cytogenetic location: 2q35.
Variant type: Deletion.
Coding change: c.1325del on transcript NM_000465.4 (MANE Select); coding-DNA position 1325, one base deleted (C; older notation c.1325delC).
Protein change: p.Pro442fs; shifts the reading frame from proline 442.
Molecular consequence: frameshift variant. On other transcripts: non-coding transcript variant (3), intron variant (3).
Genome position (GRCh38, 1-based): chr2:214,769,302, G deleted on the plus strand (C on the coding strand, the reverse complement: BARD1 is on the minus strand); the first of 2 consecutive G bases (chr2:214,769,302-214,769,303); deleting either gives the same sequence. VCF-style (leftmost placement, unchanged base first): chr2-214769301-AG-A. GRCh37 (hg19) VCF-style: chr2-215634025-AG-A.
Other names: c.1268del, p.Pro423fs (NM_001282543.2); c.159-16747del (NM_001282548.2); c.216-16747del (NM_001282545.2); c.364+22995del (NM_001282549.2); c.1325del (NM_000465.3); short protein forms P423fs, P442fs.
Identifiers: ClinVar variation 406748 (VCV000406748.15), dbSNP rs1060501287, ClinGen allele CA16610695.